The following is an entry in ClinVar:

NM_001258392.3(CLPB):c.1710C>T (p.Leu570=)

Gene: CLPB (ClpB family mitochondrial disaggregase; minus strand). Cytogenetic location: 11q13.4.
Variant type: single nucleotide variant.
Coding change: c.1710C>T on transcript NM_001258392.3 (MANE Select); coding-DNA position 1710, C replaced by T.
Protein change: p.Leu570=; no amino-acid change (leucine 570 retained).
Molecular consequence: synonymous variant.
Genome position (GRCh38, 1-based): chr11:72,294,097, G>A on the plus strand (C>T on the coding strand, the complement: CLPB is on the minus strand). VCF-style: chr11-72294097-G-A. GRCh37 (hg19) VCF-style: chr11-72005141-G-A.
Other names: c.1623C>T, p.Leu541= (NM_001258393.3); c.1665C>T, p.Leu555= (NM_001258394.3); c.1800C>T, p.Leu600= (NM_030813.6).
Identifiers: ClinVar variation 734467 (VCV000734467.13), dbSNP rs140958543, ClinGen allele CA6171061.
Genomic context (GRCh38, chr11:72,294,097, plus strand): 5'-GCGGGCGCCATAGTGCACATTGTAGCCGTCGACCAGCACATCTGCCACCTCGCGGTCCCA[G>A]AGCAGCGTGATGTTGTGCCTTTGCTTGGCCTGAGATGGGTCAGATAGAAGCATGCCTGCA-3'
Protein context (NP_001245321.1, residues 560-580): RAKQRHNITL[Leu570=]WDREVADVLV

ClinVar aggregate classification (germline): Likely benign. Review status: criteria provided, multiple submitters, no conflicts (2 of 4 stars). 3 submissions from 3 submitters: Likely benign (3). Last evaluated 2026-02-23.

Conditions:
CLPB-related disorder. Also called: CLPB-related condition.
3-methylglutaconic aciduria, type VIIB (MGCA7B). Also called: 3-methylglutaconic aciduria, type VII, with cataracts, neurologic involvement and neutropenia; CLPB Deficiency; 3-methylglutaconic aciduria with cataracts, neurologic involvement and neutropenia. Identifiers: Orphanet 445038, MedGen C5676893, MONDO:0014561, OMIM 616271.

Allele frequency attached by ClinVar (database versions not stated): gnomAD exomes 0.00006; ExAC 0.00007; ESP Exome Variant Server 0.00008; gnomAD 0.00008 and 0.00009; TOPMed 0.00010.
gnomAD v4.1: 200 of 1,614,052 alleles (0.012%); highest among the groups gnomAD compares: Non-Finnish European, 0.016%; no homozygotes.

Submissions (3):

PreventionGenetics, part of Exact Sciences
Classification: Likely benign for CLPB-related condition. Last evaluated: 2026-02-23. Review status: criteria provided, single submitter. Criteria: ACMG Guidelines, 2015. Collection method: clinical testing. Allele origin: germline.
Comment: This variant is classified as likely benign based on ACMG/AMP sequence variant interpretation guidelines (Richards et al. 2015 PMID: 25741868, with internal and published modifications).

Labcorp Genetics (formerly Invitae), Labcorp
Classification: Likely benign for 3-methylglutaconic aciduria, type VIIB. Last evaluated: 2025-10-29. Review status: criteria provided, single submitter. Criteria: Invitae Variant Classification Sherloc (09022015). Collection method: clinical testing. Allele origin: germline.

Blueprint Genetics
Classification: Likely benign. Last evaluated: 2024-11-13. Review status: criteria provided, single submitter. Criteria: ACMG Guidelines, 2015. Collection method: clinical testing. Allele origin: germline.